The following is an entry in ClinVar:

ClinVar aggregate classification (germline): Uncertain significance (1 of 4 stars; one submission).

gnomAD v4.1: 1 of 1,614,196 alleles (0.000062%); highest among the groups gnomAD compares: African/African-American, 0.0013%; no homozygotes.

Submission:

Labcorp Genetics (formerly Invitae), Labcorp
Classification: Uncertain significance. Last evaluated: 2025-04-13. Review status: criteria provided, single submitter. Criteria: Invitae Variant Classification Sherloc (09022015). Collection method: clinical testing. Allele origin: germline.
Comment: This sequence change replaces leucine, which is neutral and non-polar, with arginine, which is basic and polar, at codon 446 of the DDX58 protein (p.Leu446Arg). This variant is present in population databases (no rsID available, gnomAD 0.007%). This variant has not been reported in the literature in individuals affected with DDX58-related conditions. Invitae Evidence Modeling of protein sequence and biophysical properties (such as structural, functional, and spatial information, amino acid conservation, physicochemical variation, residue mobility, and thermodynamic stability) indicates that this missense variant is not expected to disrupt DDX58 protein function with a negative predictive value of 80%. In summary, the available evidence is currently insufficient to determine the role of this variant in disease. Therefore, it has been classified as a Variant of Uncertain Significance.

NM_014314.4(RIGI):c.1337T>G (p.Leu446Arg)

Gene: RIGI (RNA sensor RIG-I; minus strand). Cytogenetic location: 9p21.1.
Variant type: single nucleotide variant.
Coding change: c.1337T>G on transcript NM_014314.4 (MANE Select); coding-DNA position 1337, T replaced by G.
Protein change: p.Leu446Arg; replaces leucine 446 with arginine.
Molecular consequence: missense variant.
Genome position (GRCh38, 1-based): chr9:32,487,509, A>C on the plus strand (T>G on the coding strand, the complement: RIGI is on the minus strand). VCF-style: chr9-32487509-A-C. GRCh37 (hg19) VCF-style: chr9-32487507-A-C.
Other names: c.1331T>G, p.Leu444Arg (NM_001385907.1); c.1337T>G, p.Leu446Arg (NM_001385909.1); c.896T>G, p.Leu299Arg (NM_001385910.1); c.728T>G, p.Leu243Arg (NM_001385912.1); c.1322T>G, p.Leu441Arg (NM_001385913.1); c.893T>G, p.Leu298Arg (NM_001385914.1); short protein forms L441R, L298R, L444R, L299R, L446R, L243R.
Identifiers: ClinVar variation 4772336 (VCV004772336.1).